The following is an entry in ClinVar:

NM_000218.3(KCNQ1):c.980C>A (p.Thr327Asn)

Gene: KCNQ1 (potassium voltage-gated channel subfamily Q member 1; plus strand). Cytogenetic location: 11p15.5.
Variant type: single nucleotide variant.
Coding change: c.980C>A on transcript NM_000218.3 (MANE Select); coding-DNA position 980, C replaced by A.
Protein change: p.Thr327Asn; replaces threonine 327 with asparagine.
Molecular consequence: missense variant.
Genome position (GRCh38, 1-based): chr11:2,583,493, C>A. VCF-style: chr11-2583493-C-A. GRCh37 (hg19) VCF-style: chr11-2604723-C-A.
Other names: c.980C>A, p.Thr327Asn (NM_001406836.1); c.710C>A, p.Thr237Asn (NM_001406837.1); c.536C>A, p.Thr179Asn (NM_001406838.1); c.599C>A, p.Thr200Asn (NM_181798.2); short protein forms T237N, T327N, T179N, T200N.
Identifiers: ClinVar variation 3667347 (VCV003667347.2).
Genomic context (GRCh38, chr11:2,583,493, plus strand): 5'-AGGTCACAGTCACCACCATCGGCTATGGGGACAAGGTGCCCCAGACGTGGGTCGGGAAGA[C>A]CATCGCCTCCTGCTTCTCTGTCTTTGCCATCTCCTTCTTTGCGCTCCCAGCGGTAGGTGC-3'
Protein context (NP_000209.2, residues 317-337): DKVPQTWVGK[Thr327Asn]IASCFSVFAI

ClinVar aggregate classification (germline): Uncertain significance (1 of 4 stars; one submission).

Conditions:
Long QT syndrome (LQTS). Identifiers: MedGen C0023976, MeSH D008133, MONDO:0002442. Disease mechanism: loss of function. Inheritance: Various modes of inheritance.

Submission:

Labcorp Genetics (formerly Invitae), Labcorp
Classification: Uncertain significance for Long QT syndrome. Last evaluated: 2024-04-16. Review status: criteria provided, single submitter. Criteria: Invitae Variant Classification Sherloc (09022015). Collection method: clinical testing. Allele origin: germline.
Comment: This sequence change replaces threonine, which is neutral and polar, with asparagine, which is neutral and polar, at codon 327 of the KCNQ1 protein (p.Thr327Asn). This variant is not present in population databases (gnomAD no frequency). This variant has not been reported in the literature in individuals affected with KCNQ1-related conditions. Advanced modeling of protein sequence and biophysical properties (such as structural, functional, and spatial information, amino acid conservation, physicochemical variation, residue mobility, and thermodynamic stability) performed at Invitae indicates that this missense variant is expected to disrupt KCNQ1 protein function with a positive predictive value of 95%. In summary, the available evidence is currently insufficient to determine the role of this variant in disease. Therefore, it has been classified as a Variant of Uncertain Significance.